The following is an entry in ClinVar:

NM_000038.6(APC):c.3873GAC[1] (p.Thr1293del)

Gene: APC (APC regulator of Wnt signaling pathway; plus strand). Cytogenetic location: 5q22.2.
Variant type: Microsatellite.
Coding change: c.3873GAC[1] on transcript NM_000038.6 (MANE Select); one copy of the 3-base unit GAC starting at c.3873; the reference has two copies in a row; one copy, 3 bases deleted; also written c.3876_3878del.
Protein change: p.Thr1293del; deletes threonine 1293.
Molecular consequence: inframe deletion.
Genome position (GRCh38, 1-based): chr5:112,839,470-112,839,472, GAC deleted; deleting any 3 consecutive bases within chr5:112,839,467-112,839,472 gives the same sequence; the position shown is the placement nearest the transcript's 3' end. VCF-style (leftmost placement, unchanged base first): chr5-112839466-AGAC-A. GRCh37 (hg19) VCF-style: chr5-112175163-AGAC-A.
Other names: c.3876_3878del (NM_000038.6, NM_000038.5); c.3873GAC[1], p.Thr1293del (NM_001127510.3, NM_001354895.2); c.3819GAC[1], p.Thr1275del (NM_001127511.3); c.3927GAC[1], p.Thr1311del (NM_001354896.2); c.3903GAC[1], p.Thr1303del (NM_001354897.2); c.3798GAC[1], p.Thr1268del (NM_001354898.2); c.3789GAC[1], p.Thr1265del (NM_001354899.2); c.3750GAC[1], p.Thr1252del (NM_001354900.2); and 6 more; short protein forms T1275del, T1293del, T1133del, T1167del, T1192del, T1252del, T1202del, T1234del.
Identifiers: ClinVar variation 469941 (VCV000469941.19), dbSNP rs1554085362, ClinGen allele CA658655924.
Genomic context (GRCh38, chr5:112,839,466, plus strand): 5'-TTTCAAGATGTAGTTCATTATCATCTTTGTCATCAGCTGAAGATGAAATAGGATGTAATC[AGAC>A]GACACAGGAAGCAGATTCTGCTAATACCCTGCAAATAGCAGAAATAAAAGAAAAGATTGG-3'

ClinVar aggregate classification (germline): Uncertain significance. Review status: criteria provided, multiple submitters, no conflicts (2 of 4 stars). 3 submissions from 3 submitters: Uncertain significance (3). Last evaluated 2025-09-11.

Conditions:
Familial adenomatous polyposis 1 (FAP1). Also called: POLYPOSIS, ADENOMATOUS INTESTINAL; FAMILIAL ADENOMATOUS POLYPOSIS 1, ATTENUATED. Identifiers: MedGen C2713442, MONDO:0021056, OMIM 175100. Disease mechanism: loss of function.
Hereditary cancer-predisposing syndrome. Also called: Hereditary neoplastic syndrome; Neoplastic Syndromes, Hereditary; Tumor predisposition; Hereditary Cancer Syndrome. Identifiers: Orphanet 140162, MedGen C0027672, MeSH D009386, MONDO:0015356.

Submissions (3):

Color Diagnostics, LLC DBA Color Health
Classification: Uncertain significance for Hereditary cancer-predisposing syndrome. Last evaluated: 2025-09-11. Review status: criteria provided, single submitter. Criteria: ACMG Guidelines, 2015. Collection method: clinical testing. Allele origin: germline.
Comment: This variant causes an in-frame deletion of one amino acid at codon 1293 of the APC protein. To our knowledge, functional studies have not been reported for this variant. This variant has not been reported in individuals affected with APC-related disorders in the literature. This variant has not been identified in the general population by the Genome Aggregation Database (gnomAD). The available evidence is insufficient to determine the role of this variant in disease conclusively. Therefore, this variant is classified as a Variant of Uncertain Significance.

Ambry Genetics
Classification: Uncertain significance for Hereditary cancer-predisposing syndrome. Last evaluated: 2024-08-06. Review status: criteria provided, single submitter. Criteria: Ambry Variant Classification Scheme 2023. Collection method: clinical testing. Allele origin: germline.
Comment: The c.3876_3878delGAC variant (also known as p.T1293del) is located in coding exon 15 of the APC gene. This variant results from an in-frame GAC deletion at nucleotide positions 3876 to 3878. This results in the in-frame deletion of a threonine at codon 1293. This amino acid position is well conserved in available vertebrate species. In addition, this alteration is predicted to be neutral by in silico analysis (Choi Y et al. PLoS ONE. 2012; 7(10):e46688). Since supporting evidence is limited at this time, the clinical significance of this alteration remains unclear.

Labcorp Genetics (formerly Invitae), Labcorp
Classification: Uncertain significance for Familial adenomatous polyposis 1. Last evaluated: 2023-12-14. Review status: criteria provided, single submitter. Criteria: Invitae Variant Classification Sherloc (09022015). Collection method: clinical testing. Allele origin: germline.
Comment: This variant, c.3876_3878del, results in the deletion of 1 amino acid(s) of the APC protein (p.Thr1293del), but otherwise preserves the integrity of the reading frame. This variant is not present in population databases (gnomAD no frequency). This variant has not been reported in the literature in individuals affected with APC-related conditions. ClinVar contains an entry for this variant (Variation ID: 469941). Experimental studies and prediction algorithms are not available or were not evaluated, and the functional significance of this variant is currently unknown. In summary, the available evidence is currently insufficient to determine the role of this variant in disease. Therefore, it has been classified as a Variant of Uncertain Significance.